The following is an entry in ClinVar:

ClinVar aggregate classification (germline): Uncertain significance. Review status: criteria provided, multiple submitters, no conflicts (2 of 4 stars). 2 submissions from 2 submitters: Uncertain significance (2). Last evaluated 2026-08-01.

Conditions:
Bethlem myopathy 2 (BTHLM2). Identifiers: Orphanet 536516, Orphanet 610, MedGen C4225313, MONDO:0034022, OMIM 616471.
Ullrich congenital muscular dystrophy 2 (UCMD2). Identifiers: Orphanet 75840, MedGen C4225314, MONDO:0014654, OMIM 616470.

gnomAD v4.1: 6 of 1,614,152 alleles (0.00037%); highest among the groups gnomAD compares: Non-Finnish European, 0.00051%; no homozygotes.

Submissions (2):

CeGaT Center for Human Genetics Tuebingen
Classification: Uncertain significance. Last evaluated: 2026-08-01. Review status: criteria provided, single submitter. Criteria: CeGaT Center For Human Genetics Tuebingen Variant Classification Criteria Version 2. Collection method: clinical testing. Allele origin: germline. Affected: yes. Observed: 1 variant allele.
Comment: COL12A1: PM2, PP3

Labcorp Genetics (formerly Invitae), Labcorp
Classification: Uncertain significance for Bethlem myopathy 2; Ullrich congenital muscular dystrophy 2. Last evaluated: 2025-07-27. Review status: criteria provided, single submitter. Criteria: Invitae Variant Classification Sherloc (09022015). Collection method: clinical testing. Allele origin: germline.
Comment: This sequence change replaces tyrosine, which is neutral and polar, with histidine, which is basic and polar, at codon 400 of the COL12A1 protein (p.Tyr400His). This variant is present in population databases (no rsID available, gnomAD 0.0009%). This variant has not been reported in the literature in individuals affected with COL12A1-related conditions. Invitae Evidence Modeling of protein sequence and biophysical properties (such as structural, functional, and spatial information, amino acid conservation, physicochemical variation, residue mobility, and thermodynamic stability) has been performed for this missense variant. However, the output from this modeling did not meet the statistical confidence thresholds required to predict the impact of this variant on COL12A1 protein function. In summary, the available evidence is currently insufficient to determine the role of this variant in disease. Therefore, it has been classified as a Variant of Uncertain Significance.

NM_004370.6(COL12A1):c.1198T>C (p.Tyr400His)

Gene: COL12A1 (collagen type XII alpha 1 chain; minus strand). Cytogenetic location: 6q13.
Variant type: single nucleotide variant.
Coding change: c.1198T>C on transcript NM_004370.6 (MANE Select); coding-DNA position 1198, T replaced by C.
Protein change: p.Tyr400His; replaces tyrosine 400 with histidine.
Molecular consequence: missense variant. On other transcripts: intron variant (2).
Genome position (GRCh38, 1-based): chr6:75,183,944, A>G on the plus strand (T>C on the coding strand, the complement: COL12A1 is on the minus strand). VCF-style: chr6-75183944-A-G. GRCh37 (hg19) VCF-style: chr6-75893660-A-G.
Other names: c.1198T>C, p.Tyr400His (NM_001424115.1, NM_001424113.1, NM_001424114.1); c.73+18776T>C (NM_001424116.1, NM_080645.3); short protein forms Y400H.
Identifiers: ClinVar variation 4792814 (VCV004792814.2).